The following is an entry in ClinVar:

NM_004752.4(GCM2):c.844T>G (p.Tyr282Asp)

Gene: GCM2 (GCM transcription factor 2; minus strand). Cytogenetic location: 6p24.2.
Variant type: single nucleotide variant.
Coding change: c.844T>G on transcript NM_004752.4 (MANE Select); coding-DNA position 844, T replaced by G.
Protein change: p.Tyr282Asp; replaces tyrosine 282 with aspartic acid.
Molecular consequence: missense variant.
Genome position (GRCh38, 1-based): chr6:10,874,672, A>C on the plus strand (T>G on the coding strand, the complement: GCM2 is on the minus strand). VCF-style: chr6-10874672-A-C. GRCh37 (hg19) VCF-style: chr6-10874905-A-C.
Other names: short protein forms Y282D.
Identifiers: ClinVar variation 720267 (VCV000720267.28), dbSNP rs61734277, ClinGen allele CA3633994.

ClinVar aggregate classification (germline): Benign/Likely benign. Review status: criteria provided, multiple submitters, no conflicts (2 of 4 stars). 5 submissions from 5 submitters: Benign (3); Likely benign (1). 1 of the submissions does not count toward it. Last evaluated 2026-08-01.

Conditions:
Familial hypoparathyroidism. Also called: Familial isolated hypoparathyroidism. Identifiers: Orphanet 2238, MedGen C1832648, MONDO:0016390.

Allele frequency attached by ClinVar (database versions not stated): gnomAD exomes 0.00913; 1000 Genomes Project 0.00339; 1000 Genomes Project 30x 0.00359; gnomAD 0.00855 and 0.00874; TOPMed 0.00859; ESP Exome Variant Server 0.00869; ExAC 0.00874.

Submissions (5):

CeGaT Center for Human Genetics Tuebingen
Classification: Benign. Last evaluated: 2026-08-01. Review status: criteria provided, single submitter. Criteria: CeGaT Center For Human Genetics Tuebingen Variant Classification Criteria Version 2. Collection method: clinical testing. Allele origin: germline. Affected: yes. Observed: 9 variant alleles.
Comment: GCM2: BP4, BS1, BS2

Labcorp Genetics (formerly Invitae), Labcorp
Classification: Benign. Last evaluated: 2026-01-22. Review status: criteria provided, single submitter. Criteria: Invitae Variant Classification Sherloc (09022015). Collection method: clinical testing. Allele origin: germline.

Blueprint Genetics
Classification: Likely benign. Last evaluated: 2024-11-26. Review status: criteria provided, single submitter. Criteria: ACMG Guidelines, 2015. Collection method: clinical testing. Allele origin: germline.

Illumina Laboratory Services, Illumina
Classification: Benign for Hypoparathyroidism, familial isolated 1. Last evaluated: 2018-01-12. Review status: criteria provided, single submitter. Criteria: ICSL Variant Classification Criteria 13 December 2019. Collection method: clinical testing. Allele origin: germline.
Comment: This variant was observed in the ICSL laboratory as part of a predisposition screen in an ostensibly healthy population. It had not been previously curated by ICSL or reported in the Human Gene Mutation Database (HGMD: prior to June 1st, 2018), and was therefore a candidate for classification through an automated scoring system. Utilizing variant allele frequency, disease prevalence and penetrance estimates, and inheritance mode, an automated score was calculated to assess if this variant is too frequent to cause the disease. Based on the score and internal cut-off values, a variant classified as benign is not then subjected to further curation. The score for this variant resulted in a classification of benign for this disease.

Genetic Services Laboratory, University of Chicago
Classification: Likely benign. Last evaluated: 2022-11-16. Review status: no assertion criteria provided. Collection method: clinical testing. Allele origin: germline. Affected: no. Not counted in ClinVar's aggregate classification.